The following is an entry in ClinVar:

ClinVar aggregate classification (germline): Benign/Likely benign. Review status: criteria provided, multiple submitters, no conflicts (2 of 4 stars). 3 submissions from 3 submitters: Benign (2); Likely benign (1). Last evaluated 2026-01-27.

Conditions:
Autosomal dominant nonsyndromic hearing loss 65. Also called: Deafness, autosomal dominant 65; TBC1D24-Related Autosomal Dominant Nonsyndromic Hearing Loss (DFNA). Identifiers: Orphanet 90635, MedGen C3892048, MONDO:0014470, OMIM 616044.
Developmental and epileptic encephalopathy, 1 (DEE1). Also called: X-linked infantile spasms; West's syndrome; Tonic spasms with clustering, arrest of psychomotor development and hypsarrhythmia on EEG; X-Linked Infantile Spasm Syndrome; OHTAHARA SYNDROME, X-LINKED; INFANTILE SPASM SYNDROME, X-LINKED 1. Identifiers: MedGen C3463992, MONDO:0010632, OMIM 308350. Disease mechanism: loss of function.

Allele frequency attached by ClinVar (database versions not stated): gnomAD exomes 0.00024 and 0.00062; 1000 Genomes Project 30x 0.00078; 1000 Genomes Project 0.00080; ExAC 0.00098; TOPMed 0.00151; gnomAD 0.00154 and 0.00163; ESP Exome Variant Server 0.00159.
gnomAD v4.1: 619 of 1,592,908 alleles (0.039%); highest among the groups gnomAD compares: African/African-American, 0.46%; no homozygotes.

Submissions (3):

Labcorp Genetics (formerly Invitae), Labcorp
Classification: Benign for Developmental and epileptic encephalopathy, 1; Autosomal dominant nonsyndromic hearing loss 65. Last evaluated: 2026-01-27. Review status: criteria provided, single submitter. Criteria: Invitae Variant Classification Sherloc (09022015). Collection method: clinical testing. Allele origin: germline.

Blueprint Genetics
Classification: Likely benign. Last evaluated: 2024-04-16. Review status: criteria provided, single submitter. Criteria: ACMG Guidelines, 2015. Collection method: clinical testing. Allele origin: germline.

GeneDx
Classification: Benign. Last evaluated: 2015-07-07. Review status: criteria provided, single submitter. Criteria: GeneDx Variant Classification (06012015). Collection method: clinical testing. Allele origin: germline. Affected: yes.
Comment: This variant is considered likely benign or benign based on one or more of the following criteria: it is a conservative change, it occurs at a poorly conserved position in the protein, it is predicted to be benign by multiple in silico algorithms, and/or has population frequency not consistent with disease.

NM_001199107.2(TBC1D24):c.1142+17C>A

Gene: TBC1D24 (TBC1 domain family member 24; plus strand). Cytogenetic location: 16p13.3.
Variant type: single nucleotide variant.
Coding change: c.1142+17C>A on transcript NM_001199107.2 (MANE Select); 17 bases into the intron after coding-DNA position 1142, C replaced by A.
Molecular consequence: intron variant.
Genome position (GRCh38, 1-based): chr16:2,498,413, C>A. VCF-style: chr16-2498413-C-A. GRCh37 (hg19) VCF-style: chr16-2548414-C-A.
Other names: c.1124+17C>A (NM_020705.3).
Identifiers: ClinVar variation 378705 (VCV000378705.10), dbSNP rs199499346, ClinGen allele CA7844159.